The following is an entry in ClinVar:

NM_004304.5(ALK):c.3896A>G (p.Glu1299Gly)

Gene: ALK (ALK receptor tyrosine kinase; minus strand). Cytogenetic location: 2p23.2.
Variant type: single nucleotide variant.
Coding change: c.3896A>G on transcript NM_004304.5 (MANE Select); coding-DNA position 3896, A replaced by G.
Protein change: p.Glu1299Gly; replaces glutamic acid 1299 with glycine.
Molecular consequence: missense variant.
Genome position (GRCh38, 1-based): chr2:29,207,213, T>C on the plus strand (A>G on the coding strand, the complement: ALK is on the minus strand). VCF-style: chr2-29207213-T-C. GRCh37 (hg19) VCF-style: chr2-29430079-T-C.
Other names: c.3896A>G (NM_004304.4); c.692A>G, p.Glu231Gly (NM_001353765.2); short protein forms E231G, E1299G.
Identifiers: ClinVar variation 3713986 (VCV003713986.3).
Genomic context (GRCh38, chr2:29,207,213, plus strand): 5'-GGATGATGGCTGACTTACCATGTGTCTGTTTTAGAAGTGAATATTCCTTCCATGAAGGCC[T>C]CTGGGGGCATCCACTTAACTGGCAGCATGGCACAGCCTCCCTTTCTATAGTAGCTCGCCC-3'
Protein context (NP_004295.2, residues 1289-1309): AMLPVKWMPP[Glu1299Gly]AFMEGIFTSK

ClinVar aggregate classification (germline): Uncertain significance. Review status: criteria provided, multiple submitters, no conflicts (2 of 4 stars). 2 submissions from 2 submitters: Uncertain significance (2). Last evaluated 2025-09-24.

Conditions:
Hereditary cancer-predisposing syndrome. Also called: Neoplastic Syndromes, Hereditary; Hereditary Cancer Syndrome; Hereditary neoplastic syndrome; Tumor predisposition. Identifiers: Orphanet 140162, MedGen C0027672, MeSH D009386, MONDO:0015356.
Neuroblastoma, susceptibility to, 3. Also called: ALK-Related Neuroblastic Tumor Susceptibility. Identifiers: Orphanet 635, MedGen C2751681, MONDO:0013083, OMIM 613014.

Submissions (2):

Ambry Genetics
Classification: Uncertain significance for Hereditary cancer-predisposing syndrome. Last evaluated: 2025-09-24. Review status: criteria provided, single submitter. Criteria: Ambry Variant Classification Scheme 2023. Collection method: clinical testing. Allele origin: germline.
Comment: The p.E1299G variant (also known as c.3896A>G), located in coding exon 26 of the ALK gene, results from an A to G substitution at nucleotide position 3896. The glutamic acid at codon 1299 is replaced by glycine, an amino acid with similar properties. This amino acid position is highly conserved in available vertebrate species. In addition, this alteration is predicted to be deleterious by in silico analysis. Based on the available evidence, the clinical significance of this variant remains unclear.

Labcorp Genetics (formerly Invitae), Labcorp
Classification: Uncertain significance for Neuroblastoma, susceptibility to, 3. Last evaluated: 2025-01-12. Review status: criteria provided, single submitter. Criteria: Invitae Variant Classification Sherloc (09022015). Collection method: clinical testing. Allele origin: germline.
Comment: This sequence change replaces glutamic acid, which is acidic and polar, with glycine, which is neutral and non-polar, at codon 1299 of the ALK protein (p.Glu1299Gly). This variant is not present in population databases (gnomAD no frequency). This variant has not been reported in the literature in individuals affected with ALK-related conditions. An algorithm developed to predict the effect of missense changes on protein structure and function (PolyPhen-2) suggests that this variant is likely to be disruptive. In summary, the available evidence is currently insufficient to determine the role of this variant in disease. Therefore, it has been classified as a Variant of Uncertain Significance.